The following is an entry in ClinVar:

ClinVar aggregate classification (germline): Uncertain significance. Review status: criteria provided, multiple submitters, no conflicts (2 of 4 stars). 8 submissions from 8 submitters: Uncertain significance (8). Last evaluated 2026-02-06.

Conditions:
MYO15A-related disorder. Also called: MYO15A-related condition.
Inborn genetic diseases. Identifiers: MedGen C0950123, MeSH D030342.
Autosomal recessive nonsyndromic hearing loss 3. Also called: NEUROSENSORY NONSYNDROMIC RECESSIVE DEAFNESS 3. Identifiers: Orphanet 90636, MedGen C1838263, MONDO:0010860, OMIM 600316.

Allele frequency attached by ClinVar (database versions not stated): 1000 Genomes Project 30x 0.00031; ESP Exome Variant Server 0.00031; gnomAD 0.00035; 1000 Genomes Project 0.00040; gnomAD exomes 0.00047; TOPMed 0.00048.
gnomAD v4.1: 739 of 1,613,516 alleles (0.046%); highest among the groups gnomAD compares: Non-Finnish European, 0.056%; no homozygotes.

Submissions (8):

GeneDx
Classification: Uncertain significance. Last evaluated: 2026-02-06. Review status: criteria provided, single submitter. Criteria: GeneDx Variant Classification Process June 2021. Collection method: clinical testing. Allele origin: germline. Affected: yes.
Comment: In silico analysis suggests that this missense variant does not alter protein structure/function; Has not been previously published as pathogenic or benign to our knowledge

PreventionGenetics, part of Exact Sciences
Classification: Uncertain significance for MYO15A-related condition. Last evaluated: 2025-07-09. Review status: criteria provided, single submitter. Criteria: ACMG Guidelines, 2015. Collection method: clinical testing. Allele origin: germline.
Comment: The MYO15A c.4976G>A variant is predicted to result in the amino acid substitution p.Arg1659Gln. To our knowledge, this variant has not been reported in the literature. This variant is reported in 0.063% of alleles in individuals of European (Non-Finnish) descent in gnomAD. At this time, the clinical significance of this variant is uncertain due to the absence of conclusive functional and genetic evidence.

Ambry Genetics
Classification: Uncertain significance for Inborn genetic diseases. Last evaluated: 2024-11-11. Review status: criteria provided, single submitter. Criteria: Ambry Variant Classification Scheme 2023. Collection method: clinical testing. Allele origin: germline.

Blueprint Genetics
Classification: Uncertain significance. Last evaluated: 2024-10-11. Review status: criteria provided, single submitter. Criteria: ACMG Guidelines, 2015. Collection method: clinical testing. Allele origin: germline.

Department of Pathology and Laboratory Medicine, Sinai Health System
Classification: Uncertain significance for Autosomal recessive nonsyndromic hearing loss 3. Last evaluated: 2022-03-02. Review status: criteria provided, single submitter. Criteria: ACMG Guidelines, 2015. Collection method: research. Allele origin: germline.

Baylor Genetics
Classification: Uncertain significance for Autosomal recessive nonsyndromic hearing loss 3. Last evaluated: 2018-05-14. Review status: criteria provided, single submitter. Criteria: ACMG Guidelines, 2015. Collection method: clinical testing. Allele origin: maternal. Affected: yes.
Comment: This variant was determined to be of uncertain significance according to ACMG Guidelines, 2015 [PMID:25741868].

ARUP Laboratories, Molecular Genetics and Genomics, ARUP Laboratories
Classification: Uncertain significance. Last evaluated: 2017-05-26. Review status: criteria provided, single submitter. Criteria: ARUP Molecular Germline Variant Investigation Process. Collection method: clinical testing. Allele origin: germline.
Comment: The p.Arg1659Gln variant (rs141473928) has not been reported in the medical literature, gene specific variation databases, nor has it been previously identified by our laboratory. This variant is listed in the NHLBI GO Exome Sequencing Project with an overall population frequency of 0.03 percent (identified on 4 out of 12988 chromosomes) and is listed in the Exome Aggregation Consortium Browser with an overall population frequency of 0.041 percent (identified on 49 out of 120510 chromosomes). The arginine at position 1659 is moderately conserved (considering 12 species, Alamut v.2.9.0) and computational analyses of the effects of the p.Arg1659Gln variant on protein structure and function predict a deleterious effect (SIFT: damaging, MutationTaster: disease causing, PolyPhen-2: probably damaging). Altogether, there is not enough evidence to classify the p.Arg1659Gln variant with certainty.

Illumina Laboratory Services, Illumina
Classification: Uncertain significance for Autosomal recessive nonsyndromic hearing loss 3. Last evaluated: 2017-04-27. Review status: criteria provided, single submitter. Criteria: ICSL Variant Classification Criteria 13 December 2019. Collection method: clinical testing. Allele origin: germline.

NM_016239.4(MYO15A):c.4976G>A (p.Arg1659Gln)

Gene: MYO15A (myosin XVA; plus strand). Cytogenetic location: 17p11.2.
Variant type: single nucleotide variant.
Coding change: c.4976G>A on transcript NM_016239.4 (MANE Select); coding-DNA position 4976, G replaced by A.
Protein change: p.Arg1659Gln; replaces arginine 1659 with glutamine.
Molecular consequence: missense variant.
Genome position (GRCh38, 1-based): chr17:18,138,215, G>A. VCF-style: chr17-18138215-G-A. GRCh37 (hg19) VCF-style: chr17-18041529-G-A.
Other names: short protein forms R1659Q.
Identifiers: ClinVar variation 439956 (VCV000439956.25), dbSNP rs141473928, ClinGen allele CA8424096.